The following is an entry in ClinVar:

ClinVar aggregate classification (germline): Uncertain significance (1 of 4 stars; one submission).

Submission:

Labcorp Genetics (formerly Invitae), Labcorp
Classification: Uncertain significance. Last evaluated: 2022-08-08. Review status: criteria provided, single submitter. Criteria: Invitae Variant Classification Sherloc (09022015). Collection method: clinical testing. Allele origin: germline.
Comment: This sequence change falls in intron 7 of the AGXT gene. It does not directly change the encoded amino acid sequence of the AGXT protein. It affects a nucleotide within the consensus splice site. Information on the frequency of this variant in the gnomAD database is not available, as this variant may be reported differently in the database. This variant has not been reported in the literature in individuals affected with AGXT-related conditions. Variants that disrupt the consensus splice site are a relatively common cause of aberrant splicing (PMID: 17576681, 9536098). Algorithms developed to predict the effect of sequence changes on RNA splicing suggest that this variant is not likely to affect RNA splicing. In summary, the available evidence is currently insufficient to determine the role of this variant in disease. Therefore, it has been classified as a Variant of Uncertain Significance.

Literature cited by the submitters: PubMed 17576681; PubMed 9536098.

NM_000030.3(AGXT):c.777-4_777-3delinsTT

Gene: AGXT (alanine--glyoxylate aminotransferase; plus strand). Cytogenetic location: 2q37.3.
Variant type: Indel.
Coding change: c.777-4_777-3delinsTT on transcript NM_000030.3 (MANE Select); 4 bases into the intron before coding-DNA position 777 through 3 bases into the intron before coding-DNA position 777, CC replaced by TT.
Molecular consequence: intron variant.
Genome position (GRCh38, 1-based): chr2:240,875,931-240,875,932, CC replaced by TT. VCF-style: chr2-240875931-CC-TT. GRCh37 (hg19) VCF-style: chr2-241815348-CC-TT.
Identifiers: ClinVar variation 2161922 (VCV002161922.1), dbSNP rs2528758170, ClinGen allele CA2580068040.